The following is an entry in ClinVar:

NM_001020658.2(PUM1):c.1222G>A (p.Ala408Thr)

Gene: PUM1 (pumilio RNA binding family member 1; minus strand). Cytogenetic location: 1p35.2.
Variant type: single nucleotide variant.
Coding change: c.1222G>A on transcript NM_001020658.2 (MANE Select); coding-DNA position 1222, G replaced by A.
Protein change: p.Ala408Thr; replaces alanine 408 with threonine.
Molecular consequence: missense variant.
Genome position (GRCh38, 1-based): chr1:30,981,342, C>T on the plus strand (G>A on the coding strand, the complement: PUM1 is on the minus strand). VCF-style: chr1-30981342-C-T. GRCh37 (hg19) VCF-style: chr1-31454189-C-T.
Other names: c.1222G>A, p.Ala408Thr (NM_014676.3); short protein forms A408T.
Identifiers: ClinVar variation 4847656 (VCV004847656.1).
Genomic context (GRCh38, chr1:30,981,342, plus strand): 5'-CATGAAAGAGCTATGGGCTTAAGGACTTACCGATGTGCGGCTGATGAGCAGCTGCCAGTG[C>T]ATACTGCTGCTGCTGAGCAGCTGTCAACTGCTGGACAGCAAGCGCATTAGGTCTTTGGAA-3'
Protein context (NP_001018494.1, residues 398-418): QLTAAQQQQY[Ala408Thr]LAAAHQPHIG

ClinVar aggregate classification (germline): Uncertain significance (1 of 4 stars; one submission).

gnomAD v4.1: 10 of 1,602,550 alleles (0.00062%); highest among the groups gnomAD compares: Admixed American, 0.0034%; no homozygotes.

Submission:

Women's Health and Genetics/Laboratory Corporation of America, LabCorp
Classification: Uncertain significance. Last evaluated: 2026-03-26. Review status: criteria provided, single submitter. Criteria: LabCorp Variant Classification Summary - May 2015. Collection method: clinical testing. Allele origin: germline.
Comment: Variant summary: PUM1 c.1222G>A (p.Ala408Thr) results in a non-conservative amino acid change in the encoded protein sequence. Algorithms developed to predict the effect of missense changes on protein structure and function are either unavailable or do not agree on the potential impact of this missense change. The variant allele was found at a frequency of 1.2e-05 in 245410 control chromosomes. The available data on variant occurrences in the general population are insufficient to allow any conclusion about variant significance. To our knowledge, no occurrence of c.1222G>A in individuals affected with PUM1-related conditions and no experimental evidence demonstrating its impact on protein function have been reported. No submitters have cited clinical-significance assessments for this variant to ClinVar. Based on the evidence outlined above, the variant was classified as uncertain significance.